The following is an entry in ClinVar:

NM_145691.4(ATPAF2):c.402_404del (p.Phe134del)

Gene: ATPAF2 (ATP synthase mitochondrial F1 complex assembly factor 2; minus strand). Cytogenetic location: 17p11.2.
Variant type: Deletion.
Coding change: c.402_404del on transcript NM_145691.4 (MANE Select); coding-DNA positions 402 to 404, 3 bases deleted (TCT; older notation c.402_404delTCT).
Protein change: p.Phe134del; deletes phenylalanine 134.
Molecular consequence: inframe deletion.
Genome position (GRCh38, 1-based): chr17:18,026,337-18,026,339, AGA deleted on the plus strand (TCT on the coding strand, the reverse complement: ATPAF2 is on the minus strand); deleting any 3 consecutive bases within chr17:18,026,337-18,026,340 gives the same sequence; the c. name uses the placement nearest the transcript's 3' end. VCF-style (leftmost placement, unchanged base first): chr17-18026336-CAGA-C. GRCh37 (hg19) VCF-style: chr17-17929650-CAGA-C.
Other names: c.402_404delTCT (NM_145691.3); short protein forms F134del.
Identifiers: ClinVar variation 617989 (VCV000617989.13), dbSNP rs765826427, ClinGen allele CA8421883.
Genomic context (GRCh38, chr17:18,026,336, plus strand): 5'-ATAGCCTCAATCCAAGGGGAATGCCCATCTAAATGTCCATTACCAGATGGTGTCGGTGTC[CAGA>C]AACTTCACGGCTGCCCGGATCAGCTGATCCTTGTTTCTCTGGGTTGGGTTGTCCAATGAT-3'

ClinVar aggregate classification (germline): Uncertain significance. Review status: criteria provided, multiple submitters, no conflicts (2 of 4 stars). 3 submissions from 3 submitters: Uncertain significance (3). Last evaluated 2024-04-03.

Submissions (3):

Labcorp Genetics (formerly Invitae), Labcorp
Classification: Uncertain significance. Last evaluated: 2024-04-03. Review status: criteria provided, single submitter. Criteria: Invitae Variant Classification Sherloc (09022015). Collection method: clinical testing. Allele origin: germline.
Comment: This variant, c.402_404del, results in the deletion of 1 amino acid(s) of the ATPAF2 protein (p.Phe134del), but otherwise preserves the integrity of the reading frame. This variant is present in population databases (rs765826427, gnomAD 0.09%), and has an allele count higher than expected for a pathogenic variant. This variant has not been reported in the literature in individuals affected with ATPAF2-related conditions. ClinVar contains an entry for this variant (Variation ID: 617989). Experimental studies and prediction algorithms are not available or were not evaluated, and the functional significance of this variant is currently unknown. In summary, the available evidence is currently insufficient to determine the role of this variant in disease. Therefore, it has been classified as a Variant of Uncertain Significance.

GeneDx
Classification: Uncertain significance. Last evaluated: 2022-05-24. Review status: criteria provided, single submitter. Criteria: GeneDx Variant Classification Process June 2021. Collection method: clinical testing. Allele origin: germline. Affected: yes.
Comment: In silico analysis supports a deleterious effect on protein structure/function; Has not been previously published as pathogenic or benign to our knowledge

ARUP Laboratories, Molecular Genetics and Genomics, ARUP Laboratories
Classification: Uncertain significance. Last evaluated: 2018-01-03. Review status: criteria provided, single submitter. Criteria: ARUP Molecular Germline Variant Investigation Process. Collection method: clinical testing. Allele origin: germline.
Comment: The ATPAF2 p.Phe134del variant (rs765826427) has not been reported in the medical literature, is not listed in gene-specific variant databases, nor has it been previously identified in our laboratory; however, it is listed in the Genome Aggregation Database (gnomAD) browser with a frequency in African populations of 0.09% (identified in 22 out of 24,030 chromosomes). This variant is an in-frame deletion of a single amino acid in the ATP12 orthogonal Bundle domain superfamily domain, and the effect of this change is not predictable. Thus, based on the available information, the clinical significance of the p.Phe134del variant cannot be determined with certainty.